The following is an entry in ClinVar:

ClinVar aggregate classification (germline): Uncertain significance (1 of 4 stars; one submission).

gnomAD v4.1: 2 of 1,598,136 alleles (0.00013%); highest among the groups gnomAD compares: Non-Finnish European, 0.00017%; no homozygotes.

Submission:

Labcorp Genetics (formerly Invitae), Labcorp
Classification: Uncertain significance. Last evaluated: 2025-01-06. Review status: criteria provided, single submitter. Criteria: Invitae Variant Classification Sherloc (09022015). Collection method: clinical testing. Allele origin: germline.
Comment: This sequence change replaces histidine, which is basic and polar, with asparagine, which is neutral and polar, at codon 195 of the CEP78 protein (p.His195Asn). This variant is not present in population databases (gnomAD no frequency). This variant has not been reported in the literature in individuals affected with CEP78-related conditions. ClinVar contains an entry for this variant (Variation ID: 971197). Invitae Evidence Modeling of protein sequence and biophysical properties (such as structural, functional, and spatial information, amino acid conservation, physicochemical variation, residue mobility, and thermodynamic stability) indicates that this missense variant is expected to disrupt CEP78 protein function with a positive predictive value of 80%. In summary, the available evidence is currently insufficient to determine the role of this variant in disease. Therefore, it has been classified as a Variant of Uncertain Significance.

NM_001330691.3(CEP78):c.583C>A (p.His195Asn)

Gene: CEP78 (centrosomal protein 78; plus strand). Cytogenetic location: 9q21.2.
Variant type: single nucleotide variant.
Coding change: c.583C>A on transcript NM_001330691.3 (MANE Select); coding-DNA position 583, C replaced by A.
Protein change: p.His195Asn; replaces histidine 195 with asparagine.
Molecular consequence: missense variant.
Genome position (GRCh38, 1-based): chr9:78,241,779, C>A. VCF-style: chr9-78241779-C-A. GRCh37 (hg19) VCF-style: chr9-80856695-C-A.
Other names: c.583C>A, p.His195Asn (NM_001098802.3, NM_001330693.3, NM_001330694.2 and 4 more transcripts); short protein forms H195N.
Identifiers: ClinVar variation 971197 (VCV000971197.8), dbSNP rs775163853, ClinGen allele CA194769613.